The following is an entry in ClinVar:

ClinVar aggregate classification (germline): Conflicting classifications of pathogenicity. Review status: criteria provided, conflicting classifications (1 of 4 stars). 5 submissions from 5 submitters: Uncertain significance (3); Likely benign (2). Last evaluated 2025-12-03.

Conditions:
Inborn genetic diseases. Identifiers: MedGen C0950123, MeSH D030342.
Developmental and epileptic encephalopathy, 42 (DEE42A). Also called: Epileptic encephalopathy, early infantile, 42; DEVELOPMENTAL AND EPILEPTIC ENCEPHALOPATHY 42A; EPILEPTIC ENCEPHALOPATHY, EARLY INFANTILE, 42A. Identifiers: MedGen C4310716, MONDO:0014917, OMIM 617106.
Episodic ataxia type 2 (EA2). Also called: ATAXIA, EPISODIC, WITH NYSTAGMUS; ATAXIA, FAMILIAL PAROXYSMAL; CEREBELLAR ATAXIA, PAROXYSMAL, ACETAZOLAMIDE-RESPONSIVE; CEREBELLOPATHY, HEREDITARY PAROXYSMAL; EPISODIC ATAXIA, NYSTAGMUS-ASSOCIATED; ACETAZOLAMIDE-RESPONSIVE HEREDITARY PAROXYSMAL CEREBELLAR ATAXIA. Identifiers: Orphanet 97, MedGen C1720416, MONDO:0007163, OMIM 108500.

Allele frequency attached by ClinVar (database versions not stated): gnomAD 0.00003 and 0.00005; TOPMed 0.00003; gnomAD exomes 0.00005 and 0.00008; ExAC 0.00010.
gnomAD v4.1: 83 of 1,613,636 alleles (0.0051%); highest among the groups gnomAD compares: South Asian, 0.033%; no homozygotes.

Submissions (5):

Labcorp Genetics (formerly Invitae), Labcorp
Classification: Likely benign for Developmental and epileptic encephalopathy, 42; Episodic ataxia type 2. Last evaluated: 2025-12-03. Review status: criteria provided, single submitter. Criteria: Invitae Variant Classification Sherloc (09022015). Collection method: clinical testing. Allele origin: germline.

Ambry Genetics
Classification: Likely benign for Inborn genetic diseases. Last evaluated: 2025-09-05. Review status: criteria provided, single submitter. Criteria: Ambry Variant Classification Scheme 2023. Collection method: clinical testing. Allele origin: germline.

Revvity Omics, Revvity
Classification: Uncertain significance. Last evaluated: 2019-02-07. Review status: criteria provided, single submitter. Criteria: ACMG Guidelines, 2015. Collection method: clinical testing. Allele origin: germline.

CeGaT Center for Human Genetics Tuebingen
Classification: Uncertain significance. Last evaluated: 2016-07-01. Review status: criteria provided, single submitter. Criteria: CeGaT Center For Human Genetics Tuebingen Variant Classification Criteria Version 2. Collection method: clinical testing. Allele origin: germline. Affected: yes. Observed: 1 variant allele.

Neuberg Centre For Genomic Medicine, NCGM
Classification: Uncertain significance for Developmental and epileptic encephalopathy, 42. Review status: criteria provided, single submitter. Criteria: ACMG Guidelines, 2015. Collection method: clinical testing. Allele origin: germline. Affected: yes.
Comment: The missense variant p.T1938M in CACNA1A (NM_001127221.2) has not been reported previously as a pathogenic variant nor as a benign variant, to our knowledge. The p.T1938M missense variant is predicted to be damaging by both SIFT and PolyPhen2. The threonine residue at codon 1938 of CACNA1A is conserved in all mammalian species. The nucleotide c.5813 in CACNA1A is predicted conserved by GERP++ and PhyloP across 100 vertebrates. For these reasons, this variant has been classified as Uncertain Significance.

NM_001127222.2(CACNA1A):c.5810C>T (p.Thr1937Met)

Gene: CACNA1A (calcium voltage-gated channel subunit alpha1 A; minus strand). Cytogenetic location: 19p13.13.
Variant type: single nucleotide variant.
Coding change: c.5810C>T on transcript NM_001127222.2 (MANE Select); coding-DNA position 5810, C replaced by T.
Protein change: p.Thr1937Met; replaces threonine 1937 with methionine.
Molecular consequence: missense variant.
Genome position (GRCh38, 1-based): chr19:13,214,530, G>A on the plus strand (C>T on the coding strand, the complement: CACNA1A is on the minus strand). VCF-style: chr19-13214530-G-A. GRCh37 (hg19) VCF-style: chr19-13325344-G-A.
Other names: c.5828C>T, p.Thr1943Met (NM_000068.4, NM_023035.3); c.5813C>T, p.Thr1938Met (NM_001127221.2); c.5819C>T, p.Thr1940Met (NM_001174080.2); short protein forms T1943M, T1937M, T1940M, T1938M.
Identifiers: ClinVar variation 808468 (VCV000808468.54), dbSNP rs771104002, ClinGen allele CA9239584.